The following is an entry in ClinVar:

NC_000018.9:g.(?_2656075)_(2707938_?)dup

Gene: SMCHD1 (structural maintenance of chromosomes flexible hinge domain containing 1; plus strand). Cytogenetic location: 18p11.32.
Variant type: Duplication.
Identifiers: ClinVar variation 3242740 (VCV003242740.1).

ClinVar aggregate classification (germline): Uncertain significance (1 of 4 stars; one submission).

Conditions:
Facioscapulohumeral muscular dystrophy 2 (FSHD2). Also called: MUSCULAR DYSTROPHY, FACIOSCAPULOHUMERAL, TYPE 1B; FACIOSCAPULOHUMERAL MUSCULAR DYSTROPHY 2, DIGENIC; FSHD2, DIGENIC. Identifiers: Orphanet 269, MedGen C1834671, MONDO:0008031, OMIM 158901.

Submission:

Labcorp Genetics (formerly Invitae), Labcorp
Classification: Uncertain significance for Facioscapulohumeral muscular dystrophy 2. Last evaluated: 2024-01-25. Review status: criteria provided, single submitter. Criteria: Invitae Variant Classification Sherloc (09022015). Collection method: clinical testing. Allele origin: unknown.
Comment: This variant results in a copy number gain of the genomic region encompassing exon(s) 1-17 of the SMCHD1 gene. This region includes the initiator codon of the gene. This copy number gain extends beyond the assayed region for this gene and therefore may encompass additional genes. As the precise location of this event is unknown, it may be in tandem or it may be located elsewhere in the genome. This variant has not been reported in the literature in individuals affected with SMCHD1-related conditions. Experimental studies and prediction algorithms are not available or were not evaluated, and the functional significance of this variant is currently unknown. In summary, the available evidence is currently insufficient to determine the role of this variant in disease. Therefore, it has been classified as a Variant of Uncertain Significance.